The following is an entry in ClinVar:

NM_001401501.2(MUC16):c.44055G>A (p.Arg14685=)

Gene: MUC16 (mucin 16, cell surface associated; minus strand). Cytogenetic location: 19p13.2.
Variant type: single nucleotide variant.
Coding change: c.44055G>A on transcript NM_001401501.2 (MANE Select); coding-DNA position 44055, G replaced by A.
Protein change: p.Arg14685=; no amino-acid change (arginine 14685 retained).
Molecular consequence: synonymous variant.
Genome position (GRCh38, 1-based): chr19:8,883,480, C>T on the plus strand (G>A on the coding strand, the complement: MUC16 is on the minus strand). VCF-style: chr19-8883480-C-T. GRCh37 (hg19) VCF-style: chr19-8994156-C-T.
Other names: c.44481G>A, p.Arg14827= (NM_001414686.1); c.43935G>A, p.Arg14645= (NM_001414687.1); c.41529G>A, p.Arg13843= (NM_024690.2).
Identifiers: ClinVar variation 3049986 (VCV003049986.2), dbSNP rs767955224, ClinGen allele CA9162784.

ClinVar aggregate classification (germline): Likely benign (0 of 4 stars; one submission).

Conditions:
MUC16-related disorder. Also called: MUC16-related condition.

Submission:

PreventionGenetics, part of Exact Sciences
Classification: Likely benign for MUC16-related condition. Last evaluated: 2019-04-04. Review status: no assertion criteria provided. Collection method: clinical testing. Allele origin: germline.
Comment: This variant is classified as likely benign based on ACMG/AMP sequence variant interpretation guidelines (Richards et al. 2015 PMID: 25741868, with internal and published modifications).